The following is an entry in ClinVar:

NM_006517.5(SLC16A2):c.640C>T (p.Gln214Ter)

Gene: SLC16A2 (solute carrier family 16 member 2; plus strand). Cytogenetic location: Xq13.2.
Variant type: single nucleotide variant.
Coding change: c.640C>T on transcript NM_006517.5 (MANE Select); coding-DNA position 640, C replaced by T.
Protein change: p.Gln214Ter; replaces glutamine 214 with a stop codon.
Molecular consequence: nonsense.
Genome position (GRCh38, 1-based): chrX:74,524,423, C>T. VCF-style: chrX-74524423-C-T. GRCh37 (hg19) VCF-style: chrX-73744258-C-T.
Other names: short protein forms Q214*.
Identifiers: ClinVar variation 1711189 (VCV001711189.4), dbSNP rs2519806555, ClinGen allele CA413656970.

ClinVar aggregate classification (germline): Pathogenic. Review status: criteria provided, single submitter (1 of 4 stars). 2 submissions from 2 submitters: Pathogenic (1). 1 of the submissions does not count toward it. Last evaluated 2023-11-01.

Conditions:
Allan-Herndon-Dudley syndrome (AHDS). Also called: ALLAN-HERNDON SYNDROME; T3 RESISTANCE; TRIIODOTHYRONINE RESISTANCE; Passos-Bueno syndrome; MENTAL RETARDATION AND MUSCULAR ATROPHY. Identifiers: Orphanet 59, MedGen C0795889, MONDO:0010354, OMIM 300523.
Spastic paraplegia. Identifiers: MedGen C0037772, HP:0001258.

Submissions (2):

Labcorp Genetics (formerly Invitae), Labcorp
Classification: Pathogenic for Spastic paraplegia. Last evaluated: 2023-11-01. Review status: criteria provided, single submitter. Criteria: Invitae Variant Classification Sherloc (09022015). Collection method: clinical testing. Allele origin: germline.
Comment: This sequence change creates a premature translational stop signal (p.Gln214*) in the SLC16A2 gene. It is expected to result in an absent or disrupted protein product. Loss-of-function variants in SLC16A2 are known to be pathogenic (PMID: 20083155, 25527620). This variant is not present in population databases (gnomAD no frequency). This variant has not been reported in the literature in individuals affected with SLC16A2-related conditions. ClinVar contains an entry for this variant (Variation ID: 1711189). For these reasons, this variant has been classified as Pathogenic.

Prenatal Diagnosis Center, Inner Mongolia Medical University
Classification: Likely pathogenic for Allan-Herndon-Dudley syndrome. Last evaluated: 2022-07-12. Review status: no assertion criteria provided. Collection method: clinical testing. Allele origin: maternal. Affected: yes. Observed: 2 variant alleles. Not counted in ClinVar's aggregate classification.

Literature cited by the submitters: PubMed 20083155 (cited by Labcorp Genetics (formerly Invitae), Labcorp); PubMed 25527620 (cited by Labcorp Genetics (formerly Invitae), Labcorp).